The following is an entry in ClinVar:

ClinVar aggregate classification (germline): Uncertain significance. Review status: criteria provided, multiple submitters, no conflicts (2 of 4 stars). 2 submissions from 2 submitters: Uncertain significance (2). Last evaluated 2025-05-23.

Conditions:
Ullrich congenital muscular dystrophy 2 (UCMD2). Identifiers: Orphanet 75840, MedGen C4225314, MONDO:0014654, OMIM 616470.
Bethlem myopathy 2 (BTHLM2). Identifiers: Orphanet 536516, Orphanet 610, MedGen C4225313, MONDO:0034022, OMIM 616471.
Inborn genetic diseases. Identifiers: MedGen C0950123, MeSH D030342.

Allele frequency attached by ClinVar (database versions not stated): TOPMed below 0.00001.

Submissions (2):

Ambry Genetics
Classification: Uncertain significance for Inborn genetic diseases. Last evaluated: 2025-05-23. Review status: criteria provided, single submitter. Criteria: Ambry Variant Classification Scheme 2023. Collection method: clinical testing. Allele origin: germline.

Labcorp Genetics (formerly Invitae), Labcorp
Classification: Uncertain significance for Bethlem myopathy 2; Ullrich congenital muscular dystrophy 2. Last evaluated: 2023-03-21. Review status: criteria provided, single submitter. Criteria: Invitae Variant Classification Sherloc (09022015). Collection method: clinical testing. Allele origin: germline.
Comment: This sequence change replaces glycine, which is neutral and non-polar, with glutamic acid, which is acidic and polar, at codon 1424 of the COL12A1 protein (p.Gly1424Glu). This variant is not present in population databases (gnomAD no frequency). This variant has not been reported in the literature in individuals affected with COL12A1-related conditions. Advanced modeling of protein sequence and biophysical properties (such as structural, functional, and spatial information, amino acid conservation, physicochemical variation, residue mobility, and thermodynamic stability) performed at Invitae indicates that this missense variant is expected to disrupt COL12A1 protein function. In summary, the available evidence is currently insufficient to determine the role of this variant in disease. Therefore, it has been classified as a Variant of Uncertain Significance.

NM_004370.6(COL12A1):c.4271G>A (p.Gly1424Glu)

Gene: COL12A1 (collagen type XII alpha 1 chain; minus strand). Cytogenetic location: 6q13.
Variant type: single nucleotide variant.
Coding change: c.4271G>A on transcript NM_004370.6 (MANE Select); coding-DNA position 4271, G replaced by A.
Protein change: p.Gly1424Glu; replaces glycine 1424 with glutamic acid.
Molecular consequence: missense variant.
Genome position (GRCh38, 1-based): chr6:75,148,374, C>T on the plus strand (G>A on the coding strand, the complement: COL12A1 is on the minus strand). VCF-style: chr6-75148374-C-T. GRCh37 (hg19) VCF-style: chr6-75858090-C-T.
Other names: c.4271G>A, p.Gly1424Glu (NM_001424113.1, NM_001424114.1); c.3998G>A, p.Gly1333Glu (NM_001424115.1); c.779G>A, p.Gly260Glu (NM_001424116.1, NM_080645.3); c.4271G>A (NM_004370.5); short protein forms G1333E, G1424E, G260E.
Identifiers: ClinVar variation 2950615 (VCV002950615.4), dbSNP rs779056213, ClinGen allele CA364745196.